The following is an entry in ClinVar:

ClinVar aggregate classification (germline): Uncertain significance. Review status: criteria provided, multiple submitters, no conflicts (2 of 4 stars). 3 submissions from 3 submitters: Uncertain significance (3). Last evaluated 2024-05-11.

Conditions:
Hereditary cancer-predisposing syndrome. Also called: Hereditary neoplastic syndrome; Tumor predisposition; Neoplastic Syndromes, Hereditary; Hereditary Cancer Syndrome. Identifiers: Orphanet 140162, MedGen C0027672, MeSH D009386, MONDO:0015356.
Neuroblastoma, susceptibility to, 3. Also called: ALK-Related Neuroblastic Tumor Susceptibility. Identifiers: Orphanet 635, MedGen C2751681, MONDO:0013083, OMIM 613014.

Allele frequency attached by ClinVar (database versions not stated): gnomAD 0.00001; TOPMed 0.00001; gnomAD exomes 0.00003.
gnomAD v4.1: 26 of 1,602,410 alleles (0.0016%); highest among the groups gnomAD compares: Non-Finnish European, 0.0022%; no homozygotes.

Submissions (3):

Ambry Genetics
Classification: Uncertain significance for Hereditary cancer-predisposing syndrome. Last evaluated: 2024-05-11. Review status: criteria provided, single submitter. Criteria: Ambry Variant Classification Scheme 2023. Collection method: clinical testing. Allele origin: germline.
Comment: The p.G1450S variant (also known as c.4348G>A), located in coding exon 29 of the ALK gene, results from a G to A substitution at nucleotide position 4348. The glycine at codon 1450 is replaced by serine, an amino acid with similar properties. This amino acid position is conserved. In addition, this alteration is predicted to be tolerated by in silico analysis. Since supporting evidence is limited at this time, the clinical significance of this alteration remains unclear.

Labcorp Genetics (formerly Invitae), Labcorp
Classification: Uncertain significance for Neuroblastoma, susceptibility to, 3. Last evaluated: 2023-11-08. Review status: criteria provided, single submitter. Criteria: Invitae Variant Classification Sherloc (09022015). Collection method: clinical testing. Allele origin: germline.
Comment: This sequence change replaces glycine, which is neutral and non-polar, with serine, which is neutral and polar, at codon 1450 of the ALK protein (p.Gly1450Ser). This variant is not present in population databases (gnomAD no frequency). This variant has not been reported in the literature in individuals affected with ALK-related conditions. ClinVar contains an entry for this variant (Variation ID: 957254). An algorithm developed to predict the effect of missense changes on protein structure and function (PolyPhen-2) suggests that this variant is likely to be tolerated. In summary, the available evidence is currently insufficient to determine the role of this variant in disease. Therefore, it has been classified as a Variant of Uncertain Significance.

Baylor Genetics
Classification: Uncertain significance for Neuroblastoma, susceptibility to, 3. Last evaluated: 2023-09-14. Review status: criteria provided, single submitter. Criteria: ACMG Guidelines, 2015. Collection method: clinical testing. Allele origin: unknown.

NM_004304.5(ALK):c.4348G>A (p.Gly1450Ser)

Gene: ALK (ALK receptor tyrosine kinase; minus strand). Cytogenetic location: 2p23.2.
Variant type: single nucleotide variant.
Coding change: c.4348G>A on transcript NM_004304.5 (MANE Select); coding-DNA position 4348, G replaced by A.
Protein change: p.Gly1450Ser; replaces glycine 1450 with serine.
Molecular consequence: missense variant.
Genome position (GRCh38, 1-based): chr2:29,193,739, C>T on the plus strand (G>A on the coding strand, the complement: ALK is on the minus strand). VCF-style: chr2-29193739-C-T. GRCh37 (hg19) VCF-style: chr2-29416605-C-T.
Other names: c.1144G>A, p.Gly382Ser (NM_001353765.2); short protein forms G382S, G1450S.
Identifiers: ClinVar variation 957254 (VCV000957254.12), dbSNP rs1346420173, ClinGen allele CA346462530.